The following is an entry in ClinVar:

ClinVar aggregate classification (germline): Uncertain significance (1 of 4 stars; one submission).

Allele frequency attached by ClinVar (database versions not stated): ExAC 0.00001; gnomAD exomes 0.00001; ESP Exome Variant Server 0.00008.
gnomAD v4.1: 6 of 1,614,062 alleles (0.00037%); highest among the groups gnomAD compares: Admixed American, 0.0033%; no homozygotes.

Submission:

Labcorp Genetics (formerly Invitae), Labcorp
Classification: Uncertain significance. Last evaluated: 2024-05-28. Review status: criteria provided, single submitter. Criteria: Invitae Variant Classification Sherloc (09022015). Collection method: clinical testing. Allele origin: germline.
Comment: This sequence change replaces glycine, which is neutral and non-polar, with valine, which is neutral and non-polar, at codon 1613 of the C3 protein (p.Gly1613Val). This variant is present in population databases (rs141661874, gnomAD 0.02%). This variant has not been reported in the literature in individuals affected with C3-related conditions. ClinVar contains an entry for this variant (Variation ID: 1935794). Advanced modeling of protein sequence and biophysical properties (such as structural, functional, and spatial information, amino acid conservation, physicochemical variation, residue mobility, and thermodynamic stability) performed at Invitae indicates that this missense variant is not expected to disrupt C3 protein function with a negative predictive value of 80%. In summary, the available evidence is currently insufficient to determine the role of this variant in disease. Therefore, it has been classified as a Variant of Uncertain Significance.

NM_000064.4(C3):c.4838G>T (p.Gly1613Val)

Gene: C3 (complement C3; minus strand). Cytogenetic location: 19p13.3.
Variant type: single nucleotide variant.
Coding change: c.4838G>T on transcript NM_000064.4 (MANE Select); coding-DNA position 4838, G replaced by T.
Protein change: p.Gly1613Val; replaces glycine 1613 with valine.
Molecular consequence: missense variant.
Genome position (GRCh38, 1-based): chr19:6,678,164, C>A on the plus strand (G>T on the coding strand, the complement: C3 is on the minus strand). VCF-style: chr19-6678164-C-A. GRCh37 (hg19) VCF-style: chr19-6678175-C-A.
Other names: short protein forms G1613V.
Identifiers: ClinVar variation 1935794 (VCV001935794.5), dbSNP rs141661874, ClinGen allele CA9128244.
Genomic context (GRCh38, chr19:6,678,164, plus strand): 5'-GGGCGGGGCAGTCGGGCGGTCGCGCGCACGCGCAGGGAAAGCACTCACTTGGGCTTCTCT[C>A]CCCAGAAATCGGAGGAGAGACCCCACATGAGGTAGTGTTTCTTCTCCTCCAGCTTCAGGG-3'
Protein context (NP_000055.2, residues 1603-1623): LMWGLSSDFW[Gly1613Val]EKPNLSYIIG